The following is an entry in ClinVar:

NM_004370.6(COL12A1):c.1117G>T (p.Ala373Ser)

Gene: COL12A1 (collagen type XII alpha 1 chain; minus strand). Cytogenetic location: 6q13.
Variant type: single nucleotide variant.
Coding change: c.1117G>T on transcript NM_004370.6 (MANE Select); coding-DNA position 1117, G replaced by T.
Protein change: p.Ala373Ser; replaces alanine 373 with serine.
Molecular consequence: missense variant. On other transcripts: intron variant (1).
Genome position (GRCh38, 1-based): chr6:75,184,025, C>A on the plus strand (G>T on the coding strand, the complement: COL12A1 is on the minus strand). VCF-style: chr6-75184025-C-A. GRCh37 (hg19) VCF-style: chr6-75893741-C-A.
Other names: c.73+18695G>T (NM_080645.3); short protein forms A373S.
Identifiers: ClinVar variation 1209915 (VCV001209915.8), dbSNP rs370379561, ClinGen allele CA3894264.

ClinVar aggregate classification (germline): Likely benign. Review status: criteria provided, multiple submitters, no conflicts (2 of 4 stars). 4 submissions from 4 submitters: Likely benign (2). 2 of the submissions do not count toward it. Last evaluated 2026-01-06.

Conditions:
Ullrich congenital muscular dystrophy 2 (UCMD2). Identifiers: Orphanet 75840, MedGen C4225314, MONDO:0014654, OMIM 616470.
Bethlem myopathy 2 (BTHLM2). Identifiers: Orphanet 536516, Orphanet 610, MedGen C4225313, MONDO:0034022, OMIM 616471.

Allele frequency attached by ClinVar (database versions not stated): ESP Exome Variant Server 0.00016; ExAC 0.00004; gnomAD 0.00004; gnomAD exomes 0.00004 and 0.00006; TOPMed 0.00005.
gnomAD v4.1: 63 of 1,614,048 alleles (0.0039%); highest among the groups gnomAD compares: Admixed American, 0.017%; no homozygotes.

Submissions (4):

Labcorp Genetics (formerly Invitae), Labcorp
Classification: Likely benign for Bethlem myopathy 2; Ullrich congenital muscular dystrophy 2. Last evaluated: 2026-01-06. Review status: criteria provided, single submitter. Criteria: Invitae Variant Classification Sherloc (09022015). Collection method: clinical testing. Allele origin: germline.

Women's Health and Genetics/Laboratory Corporation of America, LabCorp
Classification: Likely benign. Last evaluated: 2025-03-19. Review status: criteria provided, single submitter. Criteria: LabCorp Variant Classification Summary - May 2015. Collection method: clinical testing. Allele origin: germline.
Comment: Variant summary: COL12A1 c.1117G>T (p.Ala373Ser) results in a conservative amino acid change in the encoded protein sequence. Four of five in-silico tools predict a benign effect of the variant on protein function. The variant allele was found at a frequency of 5.6e-05 in 249438 control chromosomes. The observed variant frequency is approximately 56 fold of the estimated maximal expected allele frequency for a pathogenic variant in COL12A1 causing Bethlem myopathy 2 phenotype (1e-06). To our knowledge, no occurrence of c.1117G>T in individuals affected with Bethlem myopathy 2 and no experimental evidence demonstrating its impact on protein function have been reported. ClinVar contains an entry for this variant (Variation ID: 1209915). Based on the evidence outlined above, the variant was classified as likely benign.

Clinical Genetics DNA and cytogenetics Diagnostics Lab, Erasmus MC, Erasmus Medical Center
Classification: Likely benign. Review status: no assertion criteria provided. Collection method: clinical testing. Allele origin: germline. Affected: yes. Study: VKGL Data-share Consensus. Not counted in ClinVar's aggregate classification.

Genome Diagnostics Laboratory, Amsterdam University Medical Center
Classification: Likely benign. Review status: no assertion criteria provided. Collection method: clinical testing. Allele origin: germline. Affected: yes. Study: VKGL Data-share Consensus. Not counted in ClinVar's aggregate classification.